The following is an entry in ClinVar:

ClinVar aggregate classification (germline): Likely benign. Review status: criteria provided, multiple submitters, no conflicts (2 of 4 stars). 2 submissions from 2 submitters: Likely benign (2). Last evaluated 2026-01-05.

Conditions:
Hereditary spastic paraplegia 4. Also called: Spastic paraplegia 4, autosomal dominant; Spastic Paraplegia 4; Familial spastic paraplegia autosomal dominant 2. Identifiers: Orphanet 100985, MedGen C1866855, MONDO:0008438, OMIM 182601.

gnomAD v4.1: 36 of 1,439,472 alleles (0.0025%); highest among the groups gnomAD compares: South Asian, 0.023%; no homozygotes.

Submissions (2):

Labcorp Genetics (formerly Invitae), Labcorp
Classification: Likely benign for Hereditary spastic paraplegia 4. Last evaluated: 2026-01-05. Review status: criteria provided, single submitter. Criteria: Invitae Variant Classification Sherloc (09022015). Collection method: clinical testing. Allele origin: germline.

Mayo Clinic Laboratories, Mayo Clinic
Classification: Likely benign. Last evaluated: 2025-02-18. Review status: criteria provided, single submitter. Criteria: ACMG Guidelines, 2015. Collection method: clinical testing. Allele origin: germline. Observed: 1 variant allele.
Comment: BP4, BP7

NM_014946.4(SPAST):c.586+7A>G

Gene: SPAST (spastin; plus strand). Cytogenetic location: 2p22.3.
Variant type: single nucleotide variant.
Coding change: c.586+7A>G on transcript NM_014946.4 (MANE Select); 7 bases into the intron after coding-DNA position 586, A replaced by G.
Molecular consequence: intron variant.
Genome position (GRCh38, 1-based): chr2:32,089,612, A>G. VCF-style: chr2-32089612-A-G. GRCh37 (hg19) VCF-style: chr2-32314681-A-G.
Other names: p.?; c.586+7A>G (NM_014946.3, NM_199436.2, NM_001377959.1); c.583+7A>G (NM_001363823.2, NM_001363875.2).
Identifiers: ClinVar variation 3660034 (VCV003660034.3).